The following is an entry in ClinVar:

ClinVar aggregate classification (germline): Uncertain significance. Review status: criteria provided, single submitter (1 of 4 stars). 2 submissions from 1 submitter: Uncertain significance (1). 1 of the submissions does not count toward it. Last evaluated 2022-08-21.

Conditions:
Leukocyte adhesion deficiency 3. Also called: Leukocyte adhesion deficiency, type III; INTEGRIN ACTIVATION DEFICIENCY DISEASE; LEUKOCYTE ADHESION DEFICIENCY 1 VARIANT. Identifiers: Orphanet 2968, Orphanet 99844, MedGen C2748536, MONDO:0013016, OMIM 612840.

Submissions (2):

Labcorp Genetics (formerly Invitae), Labcorp
Classification: Uncertain significance for Leukocyte adhesion deficiency 3. Last evaluated: 2022-08-21. Review status: criteria provided, single submitter. Criteria: Invitae Variant Classification Sherloc (09022015). Collection method: clinical testing. Allele origin: germline.
Comment: A copy number gain of the genomic region encompassing the full coding sequence of the FERMT3 gene has been identified. The boundaries of this event are unknown as they extend beyond the assayed region for this gene and therefore may encompass additional genes. As the precise location of this event is unknown, it may be in tandem or it may be located elsewhere in the genome. This variant has not been reported in the literature in individuals affected with FERMT3-related conditions. In summary, the available evidence is currently insufficient to determine the role of this variant in disease. Therefore, it has been classified as a Variant of Uncertain Significance.

Labcorp Genetics (formerly Invitae), Labcorp
Classification: Uncertain significance. Last evaluated: 2022-08-21. Review status: flagged submission. Criteria: Invitae Variant Classification Sherloc (09022015). Collection method: clinical testing. Allele origin: germline. Not counted in ClinVar's aggregate classification.
Comment: A copy number gain of the genomic region encompassing the full coding sequence of the STX3 gene has been identified. The boundaries of this event are unknown as they extend beyond the assayed region for this gene and therefore may encompass additional genes. As the precise location of this event is unknown, it may be in tandem or it may be located elsewhere in the genome. This variant has not been reported in the literature in individuals affected with STX3-related conditions. In summary, the available evidence is currently insufficient to determine the role of this variant in disease. Therefore, it has been classified as a Variant of Uncertain Significance.
ClinVar note: Reason: This record appears to be redundant with a more recent record from the same submitter.
ClinVar note: Notes: SCV003793662 appears to be redundant with SCV003795667.

NC_000011.9:g.(?_58916346)_(64972349_?)dup

Genes: AHNAK (AHNAK nucleoprotein; minus strand), ARL2 (ARF like GTPase 2; plus strand), ATL3 (atlastin GTPase 3; minus strand), ASRGL1 (asparaginase and isoaspartyl peptidase 1; plus strand), ATG2A (autophagy related 2A; minus strand) and 179 more. Cytogenetic location: 11q12.1-13.1.
Variant type: Duplication.
Identifiers: ClinVar variation 2425028 (VCV002425028.3).